The following is an entry in ClinVar:

NM_004565.3(PEX14):c.1093C>T (p.Arg365Trp)

Gene: PEX14 (peroxisomal biogenesis factor 14; plus strand). Cytogenetic location: 1p36.22.
Variant type: single nucleotide variant.
Coding change: c.1093C>T on transcript NM_004565.3 (MANE Select); coding-DNA position 1093, C replaced by T.
Protein change: p.Arg365Trp; replaces arginine 365 with tryptophan.
Molecular consequence: missense variant.
Genome position (GRCh38, 1-based): chr1:10,629,946, C>T. VCF-style: chr1-10629946-C-T. GRCh37 (hg19) VCF-style: chr1-10690003-C-T.
Other names: short protein forms R365W.
Identifiers: ClinVar variation 1462734 (VCV001462734.6), dbSNP rs904521069, ClinGen allele CA17855241.

ClinVar aggregate classification (germline): Uncertain significance (1 of 4 stars; one submission).

Conditions:
Peroxisome biogenesis disorder, complementation group K (CGK). Identifiers: MedGen C1866257, MONDO:0800365.

Allele frequency attached by ClinVar (database versions not stated): gnomAD exomes below 0.00001; TOPMed below 0.00001.
gnomAD v4.1: 1 of 1,611,854 alleles (0.000062%); highest among the groups gnomAD compares: East Asian, 0.0022%; no homozygotes.

Submission:

Labcorp Genetics (formerly Invitae), Labcorp
Classification: Uncertain significance for Peroxisome biogenesis disorder, complementation group K. Last evaluated: 2020-12-21. Review status: criteria provided, single submitter. Criteria: Invitae Variant Classification Sherloc (09022015). Collection method: clinical testing. Allele origin: germline.
Comment: In summary, the available evidence is currently insufficient to determine the role of this variant in disease. Therefore, it has been classified as a Variant of Uncertain Significance. Algorithms developed to predict the effect of missense changes on protein structure and function are either unavailable or do not agree on the potential impact of this missense change (SIFT: "Deleterious"; PolyPhen-2: "Possibly Damaging"; Align-GVGD: "Class C0"). This variant has not been reported in the literature in individuals with PEX14-related conditions. This variant is not present in population databases (ExAC no frequency). This sequence change replaces arginine with tryptophan at codon 365 of the PEX14 protein (p.Arg365Trp). The arginine residue is moderately conserved and there is a moderate physicochemical difference between arginine and tryptophan.